The following is an entry in ClinVar:

NM_000193.4(SHH):c.449C>A (p.Thr150Lys)

Gene: SHH (sonic hedgehog signaling molecule; minus strand). Cytogenetic location: 7q36.3.
Variant type: single nucleotide variant.
Coding change: c.449C>A on transcript NM_000193.4 (MANE Select); coding-DNA position 449, C replaced by A.
Protein change: p.Thr150Lys; replaces threonine 150 with lysine.
Molecular consequence: missense variant. On other transcripts: non-coding transcript variant (2).
Genome position (GRCh38, 1-based): chr7:155,806,409, G>T on the plus strand (C>A on the coding strand, the complement: SHH is on the minus strand). VCF-style: chr7-155806409-G-T. GRCh37 (hg19) VCF-style: chr7-155599103-G-T.
Other names: c.188C>A, p.Thr63Lys (NM_001310462.2); short protein forms T150K, T63K.
Identifiers: ClinVar variation 3775142 (VCV003775142.1).
Genomic context (GRCh38, chr7:155,806,409, plus strand): 5'-AAGCCGGCCTCCACCGCCAGGCGGGCCAGCATGCCGTACTTGCTGCGGTCGCGGTCAGAC[G>T]TGGTGATGTCCACTGCGCGGCCCTCGTAGTGCAGAGACTCCTCTGAGTGGTGGCCATCTT-3'
Protein context (NP_000184.1, residues 140-160): HYEGRAVDIT[Thr150Lys]SDRDRSKYGM

ClinVar aggregate classification (germline): Likely pathogenic (1 of 4 stars; one submission).

Conditions:
Holoprosencephaly 3 (HPE3). Identifiers: Orphanet 2162, MedGen C1840529, MONDO:0007733, OMIM 142945.

Submission:

Laboratory of Molecular Genetics, CHU Rennes
Classification: Likely pathogenic for Holoprosencephaly 3. Last evaluated: 2025-02-27. Review status: criteria provided, single submitter. Criteria: ACMG Guidelines, 2015. Collection method: clinical testing. Allele origin: de novo. Inheritance: Autosomal dominant inheritance. Affected: yes.
Comment: The NM_000193.4:c.449C>A, is a missense variant in SHH in the hedgehog signalling domain (PM1), absent from controls (PM2), predicted pathogenic by prediction tools (PP3) and occurred de novo (PS2). In summary, this variant meets criteria to be classified as likely pathogenic for holoprosencephaly based on the ACMG criteria applied.